The following is an entry in ClinVar:

ClinVar aggregate classification (germline): Uncertain significance (1 of 4 stars; one submission).

Conditions:
Cone-rod dystrophy 13 (CORD13). Identifiers: Orphanet 1872, MedGen C2750720, MONDO:0011987, OMIM 608194.
Leber congenital amaurosis 6 (LCA6). Identifiers: Orphanet 65, MedGen C1854260, MONDO:0013446, OMIM 613826.

Submission:

Labcorp Genetics (formerly Invitae), Labcorp
Classification: Uncertain significance for Leber congenital amaurosis 6; Cone-rod dystrophy 13. Last evaluated: 2022-07-31. Review status: criteria provided, single submitter. Criteria: Invitae Variant Classification Sherloc (09022015). Collection method: clinical testing. Allele origin: germline.
Comment: This variant has not been reported in the literature in individuals affected with RPGRIP1-related conditions. Algorithms developed to predict the effect of missense changes on protein structure and function are either unavailable or do not agree on the potential impact of this missense change (SIFT: "Tolerated"; PolyPhen-2: "Probably Damaging"; Align-GVGD: "Class C0"). In summary, the available evidence is currently insufficient to determine the role of this variant in disease. Therefore, it has been classified as a Variant of Uncertain Significance. This sequence change replaces arginine, which is basic and polar, with glycine, which is neutral and non-polar, at codon 700 of the RPGRIP1 protein (p.Arg700Gly). This variant is not present in population databases (gnomAD no frequency).

NM_020366.4(RPGRIP1):c.2098C>G (p.Arg700Gly)

Gene: RPGRIP1 (RPGR interacting protein 1; plus strand). Cytogenetic location: 14q11.2.
Variant type: single nucleotide variant.
Coding change: c.2098C>G on transcript NM_020366.4 (MANE Select); coding-DNA position 2098, C replaced by G.
Protein change: p.Arg700Gly; replaces arginine 700 with glycine.
Molecular consequence: missense variant. On other transcripts: intron variant (4).
Genome position (GRCh38, 1-based): chr14:21,324,953, C>G. VCF-style: chr14-21324953-C-G. GRCh37 (hg19) VCF-style: chr14-21793112-C-G.
Other names: c.1024C>G, p.Arg342Gly (NM_001377948.1); c.796+228C>G (NM_001377949.1); c.689-2670C>G (NM_001377523.1, NM_001377950.1); c.191-2670C>G (NM_001377951.1); short protein forms R700G, R342G.
Identifiers: ClinVar variation 2099399 (VCV002099399.4), dbSNP rs775239691, ClinGen allele CA388867928.